The following is an entry in ClinVar:

ClinVar aggregate classification (germline): Likely benign. Review status: criteria provided, multiple submitters, no conflicts (2 of 4 stars). 2 submissions from 2 submitters: Likely benign (2). Last evaluated 2023-10-28.

Allele frequency attached by ClinVar (database versions not stated): gnomAD 0.00001; gnomAD exomes 0.00001; TOPMed 0.00001.
gnomAD v4.1: 15 of 1,612,866 alleles (0.00093%); highest among the groups gnomAD compares: Middle Eastern, 0.083%; no homozygotes.

Submissions (2):

Labcorp Genetics (formerly Invitae), Labcorp
Classification: Likely benign. Last evaluated: 2023-10-28. Review status: criteria provided, single submitter. Criteria: Invitae Variant Classification Sherloc (09022015). Collection method: clinical testing. Allele origin: germline.

Laboratory for Molecular Medicine, Mass General Brigham Personalized Medicine
Classification: Likely benign. Last evaluated: 2016-11-18. Review status: criteria provided, single submitter. Criteria: LMM Criteria. Collection method: clinical testing. Allele origin: germline. Observed: 1 variant allele.
Comment: p.Gly1006Gly in exon 2 of MYO15A: This variant is not expected to have clinical significance because it does not alter an amino acid residue and is not located within the splice consensus sequence.

NM_016239.4(MYO15A):c.3018C>A (p.Gly1006=)

Gene: MYO15A (myosin XVA; plus strand). Cytogenetic location: 17p11.2.
Variant type: single nucleotide variant.
Coding change: c.3018C>A on transcript NM_016239.4 (MANE Select); coding-DNA position 3018, C replaced by A.
Protein change: p.Gly1006=; no amino-acid change (glycine 1006 retained).
Molecular consequence: synonymous variant.
Genome position (GRCh38, 1-based): chr17:18,121,818, C>A. VCF-style: chr17-18121818-C-A. GRCh37 (hg19) VCF-style: chr17-18025132-C-A.
Identifiers: ClinVar variation 505375 (VCV000505375.10), dbSNP rs868037161, ClinGen allele CA288389490.
Genomic context (GRCh38, chr17:18,121,818, plus strand): 5'-CAGGGTCTTCCTGGGCAGACACCATGAGCCGGGGCCTGGACAGCTCACCAAATCAGCTGG[C>A]CCAACCCCTGAGAAGCCTGAAGAAGAGGCCACCCTGGGGGACCCCCAGCTGCCAGCAGAG-3'
Protein context (NP_057323.3, residues 996-1016): PGPGQLTKSA[Gly1006=]PTPEKPEEEA